The following is an entry in ClinVar:

ClinVar aggregate classification (germline): Uncertain significance (1 of 4 stars; one submission).

Submission:

Labcorp Genetics (formerly Invitae), Labcorp
Classification: Uncertain significance. Last evaluated: 2021-08-09. Review status: criteria provided, single submitter. Criteria: Invitae Variant Classification Sherloc (09022015). Collection method: clinical testing. Allele origin: germline.
Comment: This variant has not been reported in the literature in individuals affected with FAT4-related conditions. Advanced modeling of protein sequence and biophysical properties (such as structural, functional, and spatial information, amino acid conservation, physicochemical variation, residue mobility, and thermodynamic stability) performed at Invitae indicates that this missense variant is not expected to disrupt FAT4 protein function. In summary, the available evidence is currently insufficient to determine the role of this variant in disease. Therefore, it has been classified as a Variant of Uncertain Significance. This variant is not present in population databases (ExAC no frequency). This sequence change replaces tryptophan with arginine at codon 13 of the FAT4 protein (p.Trp13Arg). The tryptophan residue is weakly conserved and there is a moderate physicochemical difference between tryptophan and arginine.

NM_001291303.3(FAT4):c.37T>C (p.Trp13Arg)

Gene: FAT4 (FAT atypical cadherin 4; plus strand). Cytogenetic location: 4q28.1.
Variant type: single nucleotide variant.
Coding change: c.37T>C on transcript NM_001291303.3 (MANE Select); coding-DNA position 37, T replaced by C.
Protein change: p.Trp13Arg; replaces tryptophan 13 with arginine.
Molecular consequence: missense variant.
Genome position (GRCh38, 1-based): chr4:125,316,448, T>C. VCF-style: chr4-125316448-T-C. GRCh37 (hg19) VCF-style: chr4-126237603-T-C.
Other names: c.37T>C, p.Trp13Arg (NM_001291285.3, NM_024582.6); short protein forms W13R.
Identifiers: ClinVar variation 1511341 (VCV001511341.6), dbSNP rs2125938137, ClinGen allele CA358114969.